The following is an entry in ClinVar:

NM_199355.4(ADAMTS18):c.116G>C (p.Cys39Ser)

Gene: ADAMTS18 (ADAM metallopeptidase with thrombospondin type 1 motif 18; minus strand). Cytogenetic location: 16q23.1.
Variant type: single nucleotide variant.
Coding change: c.116G>C on transcript NM_199355.4 (MANE Select); coding-DNA position 116, G replaced by C.
Protein change: p.Cys39Ser; replaces cysteine 39 with serine.
Molecular consequence: missense variant. On other transcripts: 5 prime UTR variant (1).
Genome position (GRCh38, 1-based): chr16:77,434,480, C>G on the plus strand (G>C on the coding strand, the complement: ADAMTS18 is on the minus strand). VCF-style: chr16-77434480-C-G. GRCh37 (hg19) VCF-style: chr16-77468377-C-G.
Other names: c.-405G>C (NM_001326358.2); short protein forms C39S.
Identifiers: ClinVar variation 1045611 (VCV001045611.10), dbSNP rs2057773172, ClinGen allele CA396851790.
Genomic context (GRCh38, chr16:77,434,480, plus strand): 5'-TCATTTAATCCGCTGGCGCCGCTGCTGCTGTCACTGGCTAAGGCCGCGGCGACCGACGCA[C>G]AGCAGAGGCAGCACAGCTGGAGCGCCTGCAAGAGAAAAGGTGACATCGCGCGTGAGGGGC-3'
Protein context (NP_955387.1, residues 29-49): AKALQLCCLC[Cys39Ser]ASVAAALASD

ClinVar aggregate classification (germline): Uncertain significance (1 of 4 stars; one submission).

Submission:

Labcorp Genetics (formerly Invitae), Labcorp
Classification: Uncertain significance. Last evaluated: 2022-07-19. Review status: criteria provided, single submitter. Criteria: Invitae Variant Classification Sherloc (09022015). Collection method: clinical testing. Allele origin: germline.
Comment: Algorithms developed to predict the effect of missense changes on protein structure and function output the following: SIFT: "Not Available"; PolyPhen-2: "Benign"; Align-GVGD: "Not Available". The serine amino acid residue is found in multiple mammalian species, which suggests that this missense change does not adversely affect protein function. In summary, the available evidence is currently insufficient to determine the role of this variant in disease. Therefore, it has been classified as a Variant of Uncertain Significance. ClinVar contains an entry for this variant (Variation ID: 1045611). This variant has not been reported in the literature in individuals affected with ADAMTS18-related conditions. This variant is not present in population databases (gnomAD no frequency). This sequence change replaces cysteine, which is neutral and slightly polar, with serine, which is neutral and polar, at codon 39 of the ADAMTS18 protein (p.Cys39Ser).